The following is an entry in ClinVar:

ClinVar aggregate classification (germline): Uncertain significance (1 of 4 stars; one submission).

Conditions:
Duchenne muscular dystrophy (DMD). Also called: MUSCULAR DYSTROPHY, PSEUDOHYPERTROPHIC PROGRESSIVE, DUCHENNE TYPE; Duchenne Muscular Dystrophy (DMD). Identifiers: Orphanet 98896, MedGen C0013264, MONDO:0010679, OMIM 310200.

Allele frequency attached by ClinVar (database versions not stated): gnomAD exomes below 0.00001; ExAC 0.00001; gnomAD 0.00001; TOPMed 0.00002.
gnomAD v4.1: 5 of 1,206,987 alleles (0.00041%); highest among the groups gnomAD compares: East Asian, 0.015%; no homozygotes.

Submission:

Labcorp Genetics (formerly Invitae), Labcorp
Classification: Uncertain significance for Duchenne muscular dystrophy. Last evaluated: 2022-07-22. Review status: criteria provided, single submitter. Criteria: Invitae Variant Classification Sherloc (09022015). Collection method: clinical testing. Allele origin: germline.
Comment: This sequence change replaces threonine, which is neutral and polar, with arginine, which is basic and polar, at codon 1692 of the DMD protein (p.Thr1692Arg). This variant is present in population databases (rs755587394, gnomAD 0.02%). This variant has not been reported in the literature in individuals affected with DMD-related conditions. Algorithms developed to predict the effect of missense changes on protein structure and function are either unavailable or do not agree on the potential impact of this missense change (SIFT: "Deleterious"; PolyPhen-2: "Possibly Damaging"; Align-GVGD: "Class C0"). In summary, the available evidence is currently insufficient to determine the role of this variant in disease. Therefore, it has been classified as a Variant of Uncertain Significance.

NM_004006.3(DMD):c.5075C>G (p.Thr1692Arg)

Gene: DMD (dystrophin; minus strand). Cytogenetic location: Xp21.1.
Variant type: single nucleotide variant.
Coding change: c.5075C>G on transcript NM_004006.3 (MANE Select); coding-DNA position 5075, C replaced by G.
Protein change: p.Thr1692Arg; replaces threonine 1692 with arginine.
Molecular consequence: missense variant.
Genome position (GRCh38, 1-based): chrX:32,364,661, G>C on the plus strand (C>G on the coding strand, the complement: DMD is on the minus strand). VCF-style: chrX-32364661-G-C. GRCh37 (hg19) VCF-style: chrX-32382778-G-C.
Other names: c.5051C>G, p.Thr1684Arg (NM_000109.4); c.5063C>G, p.Thr1688Arg (NM_004009.3); c.4706C>G, p.Thr1569Arg (NM_004010.3); c.1052C>G, p.Thr351Arg (NM_004011.4); c.1043C>G, p.Thr348Arg (NM_004012.4); short protein forms T1684R, T1692R, T348R, T351R, T1688R, T1569R.
Identifiers: ClinVar variation 1994205 (VCV001994205.1), dbSNP rs755587394, ClinGen allele CA10378778.
Genomic context (GRCh38, chrX:32,364,661, plus strand): 5'-TGCTGGGGTTTCTTTTTCTCTGATTCATCCAAAAGTGTGTCAGCCTGAATGATCCACTTT[G>C]TGATGTGGTCCACATTCTGGTCAAAAGTTTCCATGTGTTTCTGGTATTCCTTAATTGTAC-3'
Protein context (NP_003997.2, residues 1682-1702): ETFDQNVDHI[Thr1692Arg]KWIIQADTLL